The following is an entry in ClinVar:

NM_001048174.2(MUTYH):c.841C>A (p.Arg281Ser)

Gene: MUTYH (mutY DNA glycosylase; minus strand). Cytogenetic location: 1p34.1.
Variant type: single nucleotide variant.
Coding change: c.841C>A on transcript NM_001048174.2 (MANE Select); coding-DNA position 841, C replaced by A.
Protein change: p.Arg281Ser; replaces arginine 281 with serine.
Molecular consequence: missense variant. On other transcripts: non-coding transcript variant (7).
Genome position (GRCh38, 1-based): chr1:45,332,174, G>T on the plus strand (C>A on the coding strand, the complement: MUTYH is on the minus strand). VCF-style: chr1-45332174-G-T. GRCh37 (hg19) VCF-style: chr1-45797846-G-T.
Other names: c.802C>A, p.Arg268Ser (NM_001407079.1); c.565C>A, p.Arg189Ser (NM_001407091.1, NM_001293192.2, NM_001293196.2); c.916C>A, p.Arg306Ser (NM_012222.3); c.925C>A, p.Arg309Ser (NM_001128425.2); c.886C>A, p.Arg296Ser (NM_001293190.2); c.874C>A, p.Arg292Ser (NM_001293191.2, NM_001407069.1, NM_001407077.1); c.841C>A, p.Arg281Ser (NM_001293195.2, NM_001407081.1, NM_001407088.1 and 6 more transcripts); c.496C>A, p.Arg166Ser (NM_001350650.2, NM_001407082.1, NM_001350651.2); and 5 more; short protein forms R166S, R267S, R281S, R295S, R306S, R189S, R253S, R282S.
Identifiers: ClinVar variation 4113910 (VCV004113910.1).

ClinVar aggregate classification (germline): Uncertain significance (1 of 4 stars; one submission).

Conditions:
Hereditary cancer-predisposing syndrome. Also called: Hereditary neoplastic syndrome; Neoplastic Syndromes, Hereditary; Tumor predisposition; Hereditary Cancer Syndrome. Identifiers: Orphanet 140162, MedGen C0027672, MeSH D009386, MONDO:0015356.

Submission:

Ambry Genetics
Classification: Uncertain significance for Hereditary cancer-predisposing syndrome. Last evaluated: 2025-08-27. Review status: criteria provided, single submitter. Criteria: Ambry Variant Classification Scheme 2023. Collection method: clinical testing. Allele origin: germline.
Comment: The p.R309S variant (also known as c.925C>A), located in coding exon 10 of the MUTYH gene, results from a C to A substitution at nucleotide position 925. The arginine at codon 309 is replaced by serine, an amino acid with dissimilar properties. This amino acid position is conserved. In addition, the in silico prediction for this alteration is inconclusive. Based on the available evidence, the clinical significance of this variant remains unclear.